The following is an entry in ClinVar:

ClinVar aggregate classification (germline): Uncertain significance (1 of 4 stars; one submission).

Allele frequency attached by ClinVar (database versions not stated): gnomAD exomes below 0.00001 and 0.00002; ExAC 0.00001; TOPMed 0.00001; gnomAD 0.00002.
gnomAD v4.1: 38 of 1,613,884 alleles (0.0024%); highest among the groups gnomAD compares: Non-Finnish European, 0.0031%; no homozygotes.

Submission:

Labcorp Genetics (formerly Invitae), Labcorp
Classification: Uncertain significance. Last evaluated: 2025-03-18. Review status: criteria provided, single submitter. Criteria: Invitae Variant Classification Sherloc (09022015). Collection method: clinical testing. Allele origin: germline.
Comment: This sequence change replaces methionine, which is neutral and non-polar, with threonine, which is neutral and polar, at codon 624 of the ITGAM protein (p.Met624Thr). This variant is present in population databases (rs754636547, gnomAD 0.002%). This variant has not been reported in the literature in individuals affected with ITGAM-related conditions. ClinVar contains an entry for this variant (Variation ID: 1350653). An algorithm developed to predict the effect of missense changes on protein structure and function (PolyPhen-2) suggests that this variant is likely to be disruptive. In summary, the available evidence is currently insufficient to determine the role of this variant in disease. Therefore, it has been classified as a Variant of Uncertain Significance.

NM_000632.4(ITGAM):c.1871T>C (p.Met624Thr)

Gene: ITGAM (integrin subunit alpha M; plus strand). Cytogenetic location: 16p11.2.
Variant type: single nucleotide variant.
Coding change: c.1871T>C on transcript NM_000632.4 (MANE Select); coding-DNA position 1871, T replaced by C.
Protein change: p.Met624Thr; replaces methionine 624 with threonine.
Molecular consequence: missense variant.
Genome position (GRCh38, 1-based): chr16:31,321,496, T>C. VCF-style: chr16-31321496-T-C. GRCh37 (hg19) VCF-style: chr16-31332817-T-C.
Other names: c.1874T>C, p.Met625Thr (NM_001145808.2); short protein forms M625T, M624T.
Identifiers: ClinVar variation 1350653 (VCV001350653.6), dbSNP rs754636547, ClinGen allele CA8025681.